The following is an entry in ClinVar:

NM_020821.3(VPS13C):c.8490A>T (p.Ser2830=)

Gene: VPS13C (vacuolar protein sorting 13 homolog C; minus strand). Cytogenetic location: 15q22.2.
Variant type: single nucleotide variant.
Coding change: c.8490A>T on transcript NM_020821.3 (MANE Select); coding-DNA position 8490, A replaced by T.
Protein change: p.Ser2830=; no amino-acid change (serine 2830 retained).
Molecular consequence: synonymous variant.
Genome position (GRCh38, 1-based): chr15:61,913,371, T>A on the plus strand (A>T on the coding strand, the complement: VPS13C is on the minus strand). VCF-style: chr15-61913371-T-A. GRCh37 (hg19) VCF-style: chr15-62205570-T-A.
Other names: c.8490A>T, p.Ser2830= (NM_001018088.3); c.8361A>T, p.Ser2787= (NM_017684.5, NM_018080.4).
Identifiers: ClinVar variation 2645399 (VCV002645399.24), dbSNP rs771998549, ClinGen allele CA490640634.
Genomic context (GRCh38, chr15:61,913,371, plus strand): 5'-CAGGTACTCCATATTGTTGGCAGGACACTTCACACACCCATAACTTCCCACTGTATCCAA[T>A]GAGAAACTACTGGACCAGGCACTGGTTGAAATTTTTAATTGTACCTATACCAGAGAGCAC-3'
Protein context (NP_065872.1, residues 2820-2840): ISTSAWSSSF[Ser2830=]LDTVGSYGCV

ClinVar aggregate classification (germline): Likely benign (1 of 4 stars; one submission).

Submission:

CeGaT Center for Human Genetics Tuebingen
Classification: Likely benign. Last evaluated: 2022-06-01. Review status: criteria provided, single submitter. Criteria: CeGaT Center For Human Genetics Tuebingen Variant Classification Criteria Version 2. Collection method: clinical testing. Allele origin: germline. Affected: yes. Observed: 1 variant allele.
Comment: VPS13C: PM2:Supporting, BP4, BP7